The following is an entry in ClinVar:

ClinVar aggregate classification (germline): Uncertain significance (1 of 4 stars; one submission).

Allele frequency attached by ClinVar (database versions not stated): gnomAD exomes below 0.00001; TOPMed 0.00002.
gnomAD v4.1: 1 of 1,194,380 alleles (0.000084%); highest among the groups gnomAD compares: African/African-American, 0.0017%; no homozygotes.

Submission:

Labcorp Genetics (formerly Invitae), Labcorp
Classification: Uncertain significance. Last evaluated: 2024-06-30. Review status: criteria provided, single submitter. Criteria: Invitae Variant Classification Sherloc (09022015). Collection method: clinical testing. Allele origin: germline.
Comment: This sequence change replaces aspartic acid, which is acidic and polar, with asparagine, which is neutral and polar, at codon 1252 of the CACNA1F protein (p.Asp1252Asn). This variant is not present in population databases (gnomAD no frequency). This missense change has been observed in individual(s) with congenital stationary night blindness (Invitae). ClinVar contains an entry for this variant (Variation ID: 1478860). Advanced modeling of protein sequence and biophysical properties (such as structural, functional, and spatial information, amino acid conservation, physicochemical variation, residue mobility, and thermodynamic stability) performed at Invitae indicates that this missense variant is expected to disrupt CACNA1F protein function with a positive predictive value of 80%. Algorithms developed to predict the effect of sequence changes on RNA splicing suggest that this variant may disrupt the consensus splice site. In summary, the available evidence is currently insufficient to determine the role of this variant in disease. Therefore, it has been classified as a Variant of Uncertain Significance.

NM_001256789.3(CACNA1F):c.3721G>A (p.Asp1241Asn)

Gene: CACNA1F (calcium voltage-gated channel subunit alpha1 F; minus strand). Cytogenetic location: Xp11.23.
Variant type: single nucleotide variant.
Coding change: c.3721G>A on transcript NM_001256789.3 (MANE Select); coding-DNA position 3721, G replaced by A.
Protein change: p.Asp1241Asn; replaces aspartic acid 1241 with asparagine.
Molecular consequence: missense variant.
Genome position (GRCh38, 1-based): chrX:49,213,890, C>T on the plus strand (G>A on the coding strand, the complement: CACNA1F is on the minus strand). VCF-style: chrX-49213890-C-T. GRCh37 (hg19) VCF-style: chrX-49070350-C-T.
Other names: c.3559G>A, p.Asp1187Asn (NM_001256790.3); c.3754G>A, p.Asp1252Asn (NM_005183.4); short protein forms D1241N, D1187N, D1252N.
Identifiers: ClinVar variation 1478860 (VCV001478860.6), dbSNP rs1602632414, ClinGen allele CA412962703.